The following is an entry in ClinVar:

ClinVar aggregate classification (germline): Uncertain significance (1 of 4 stars; one submission).

Conditions:
Hereditary cancer-predisposing syndrome. Also called: Neoplastic Syndromes, Hereditary; Tumor predisposition; Hereditary Cancer Syndrome; Hereditary neoplastic syndrome. Identifiers: Orphanet 140162, MedGen C0027672, MeSH D009386, MONDO:0015356.

Submission:

Ambry Genetics
Classification: Uncertain significance for Hereditary cancer-predisposing syndrome. Last evaluated: 2015-04-30. Review status: criteria provided, single submitter. Criteria: Ambry Variant Classification Scheme 2023. Collection method: clinical testing. Allele origin: germline.
Comment: The p.K3315T variant (also known as c.9944A>C and 10172A>C), located in coding exon 26 of the BRCA2 gene, results from an A to C substitution at nucleotide position 9944. The lysine at codon 3315 is replaced by threonine, an amino acid with similar properties. This variant was not reported in population based cohorts in the following databases: Database of Single Nucleotide Polymorphisms (dbSNP), NHLBI Exome Sequencing Project (ESP), and 1000 Genomes Project. In the ESP, this variant was not observed in 6503 samples (13006 alleles) with coverage at this position. To date, this alteration has been detected with an allele frequency of approximately 0.001% (greater than 150000 alleles tested) in our clinical cohort. This amino acid position is not well conserved in available vertebrate species. In addition, this alteration is predicted to be tolerated by in silico analysis. Since supporting evidence is limited at this time, the clinical significance of p.K3315T remains unclear.

NM_000059.4(BRCA2):c.9944A>C (p.Lys3315Thr)

Gene: BRCA2 (BRCA2 DNA repair associated; plus strand). Cytogenetic location: 13q13.1.
Variant type: single nucleotide variant.
Coding change: c.9944A>C on transcript NM_000059.4 (MANE Select); coding-DNA position 9944, A replaced by C.
Protein change: p.Lys3315Thr; replaces lysine 3315 with threonine.
Molecular consequence: missense variant.
Genome position (GRCh38, 1-based): chr13:32,398,457, A>C. VCF-style: chr13-32398457-A-C. GRCh37 (hg19) VCF-style: chr13-32972594-A-C.
Other names: short protein forms K3315T.
Identifiers: ClinVar variation 231611 (VCV000231611.5), dbSNP rs876659263, ClinGen allele CA10579851.